The following is an entry in ClinVar:

ClinVar aggregate classification (germline): Uncertain significance. Review status: criteria provided, multiple submitters, no conflicts (2 of 4 stars). 2 submissions from 2 submitters: Uncertain significance (2). Last evaluated 2025-10-06.

Conditions:
Distal myopathy with posterior leg and anterior hand involvement. Also called: WILLIAMS DISTAL MYOPATHY. Identifiers: Orphanet 63273, MedGen C3279722, MONDO:0013550, OMIM 614065.
Myofibrillar myopathy 5. Also called: Filaminopathy (type); FILAMINOPATHY, AUTOSOMAL DOMINANT. Identifiers: Orphanet 171445, MedGen C1836050, MONDO:0012289, OMIM 609524.
Hypertrophic cardiomyopathy 26. Also called: Cardiomyopathy, familial hypertrophic, 26. Identifiers: Orphanet 75249, MedGen C4310749, MONDO:0014883, OMIM 617047.
Cardiovascular phenotype. Identifiers: MedGen CN230736.

gnomAD v4.1: 1 of 1,611,898 alleles (0.000062%); highest among the groups gnomAD compares: Non-Finnish European, 0.000085%; no homozygotes.

Submissions (2):

Labcorp Genetics (formerly Invitae), Labcorp
Classification: Uncertain significance for Distal myopathy with posterior leg and anterior hand involvement; Myofibrillar myopathy 5; Hypertrophic cardiomyopathy 26. Last evaluated: 2025-10-06. Review status: criteria provided, single submitter. Criteria: Invitae Variant Classification Sherloc (09022015). Collection method: clinical testing. Allele origin: germline.
Comment: This sequence change replaces alanine, which is neutral and non-polar, with threonine, which is neutral and polar, at codon 103 of the FLNC protein (p.Ala103Thr). This variant is not present in population databases (gnomAD no frequency). This variant has not been reported in the literature in individuals affected with FLNC-related conditions. Invitae Evidence Modeling of protein sequence and biophysical properties (such as structural, functional, and spatial information, amino acid conservation, physicochemical variation, residue mobility, and thermodynamic stability) has been performed for this missense variant. However, the output from this modeling did not meet the statistical confidence thresholds required to predict the impact of this variant on FLNC protein function. In summary, the available evidence is currently insufficient to determine the role of this variant in disease. Therefore, it has been classified as a Variant of Uncertain Significance.

Ambry Genetics
Classification: Uncertain significance for Cardiovascular phenotype. Last evaluated: 2025-07-25. Review status: criteria provided, single submitter. Criteria: Ambry Variant Classification Scheme 2023. Collection method: clinical testing. Allele origin: germline.
Comment: The p.A103T variant (also known as c.307G>A), located in coding exon 1 of the FLNC gene, results from a G to A substitution at nucleotide position 307. The alanine at codon 103 is replaced by threonine, an amino acid with similar properties. This amino acid position is highly conserved in available vertebrate species. In addition, the in silico prediction for this alteration is inconclusive. Based on the available evidence, the clinical significance of this variant remains unclear.

NM_001458.5(FLNC):c.307G>A (p.Ala103Thr)

Gene: FLNC (filamin C; plus strand). Cytogenetic location: 7q32.1.
Variant type: single nucleotide variant.
Coding change: c.307G>A on transcript NM_001458.5 (MANE Select); coding-DNA position 307, G replaced by A.
Protein change: p.Ala103Thr; replaces alanine 103 with threonine.
Molecular consequence: missense variant.
Genome position (GRCh38, 1-based): chr7:128,830,944, G>A. VCF-style: chr7-128830944-G-A. GRCh37 (hg19) VCF-style: chr7-128470998-G-A.
Other names: c.307G>A, p.Ala103Thr (NM_001127487.2); short protein forms A103T.
Identifiers: ClinVar variation 4258277 (VCV004258277.2).
Genomic context (GRCh38, chr7:128,830,944, plus strand): 5'-TACCGCAAGTTCCATCCGCGCCCCAACTTCCGCCAAATGAAGCTGGAGAACGTGTCCGTG[G>A]CCCTCGAGTTCCTCGAGCGCGAGCACATCAAGCTCGTGTCCATAGGTCAGTGCCGGGGGC-3'
Protein context (NP_001449.3, residues 93-113): RQMKLENVSV[Ala103Thr]LEFLEREHIK